The following is an entry in ClinVar:

ClinVar aggregate classification (germline): Uncertain significance (1 of 4 stars; one submission).

Conditions:
Mucopolysaccharidosis, MPS-III-C (MPS3C). Also called: MPS IIIC (Sanfilippo Syndrome Type C); MUCOPOLYSACCHARIDOSIS, TYPE IIIC; Mucopolysaccharidosis type IIIC (Sanfilippo C); mucopolysaccharidosis type 3C; SANFILIPPO SYNDROME C; MPS III C. Identifiers: Orphanet 581, Orphanet 79271, MedGen C0086649, MONDO:0009657, OMIM 252930.
Retinitis pigmentosa 73 (RP73). Identifiers: Orphanet 791, MedGen C4225287, MONDO:0014687, OMIM 616544.

Allele frequency attached by ClinVar (database versions not stated): TOPMed below 0.00001.

Submission:

Labcorp Genetics (formerly Invitae), Labcorp
Classification: Uncertain significance for Retinitis pigmentosa 73; Mucopolysaccharidosis, MPS-III-C. Last evaluated: 2020-06-07. Review status: criteria provided, single submitter. Criteria: Invitae Variant Classification Sherloc (09022015). Collection method: clinical testing. Allele origin: germline.
Comment: Algorithms developed to predict the effect of missense changes on protein structure and function are either unavailable or do not agree on the potential impact of this missense change (SIFT: "Deleterious"; PolyPhen-2: "Probably Damaging"; Align-GVGD: "Class C0"). In summary, the available evidence is currently insufficient to determine the role of this variant in disease. Therefore, it has been classified as a Variant of Uncertain Significance. This variant has not been reported in the literature in individuals with HGSNAT-related conditions. This sequence change replaces cysteine with arginine at codon 79 of the HGSNAT protein (p.Cys79Arg). The cysteine residue is moderately conserved and there is a large physicochemical difference between cysteine and arginine. This variant is not present in population databases (ExAC no frequency).

NM_152419.3(HGSNAT):c.235T>C (p.Cys79Arg)

Gene: HGSNAT (heparan-alpha-glucosaminide N-acetyltransferase; plus strand). Cytogenetic location: 8p11.21.
Variant type: single nucleotide variant.
Coding change: c.235T>C on transcript NM_152419.3 (MANE Select); coding-DNA position 235, T replaced by C.
Protein change: p.Cys79Arg; replaces cysteine 79 with arginine.
Molecular consequence: missense variant. On other transcripts: 5 prime UTR variant (1).
Genome position (GRCh38, 1-based): chr8:43,158,575, T>C. VCF-style: chr8-43158575-T-C. GRCh37 (hg19) VCF-style: chr8-43013718-T-C.
Other names: c.235T>C, p.Cys79Arg (NM_001363227.2, NM_001363228.2); c.-599T>C (NM_001363229.2); short protein forms C79R.
Identifiers: ClinVar variation 964234 (VCV000964234.6), dbSNP rs1803164820, ClinGen allele CA371125021.
Genomic context (GRCh38, chr8:43,158,575, plus strand): 5'-CAGCAATCAACAGATGTTGAAAAACCTCTGGCGGTTGACCTGTTGTGCTTTTATTTACAG[T>C]GCTTGTTTCAGGTTCTGGTAAACGTTCCTCAGAGTCCAAAAGCAGGGAAGCCTAGTGCTG-3'
Protein context (NP_689632.2, residues 69-89): VYWKSECCYH[Cys79Arg]LFQVLVNVPQ